The following is an entry in ClinVar:

NM_001844.5(COL2A1):c.2626-166T>C

Gene: COL2A1 (collagen type II alpha 1 chain; minus strand). Cytogenetic location: 12q13.11.
Variant type: single nucleotide variant.
Coding change: c.2626-166T>C on transcript NM_001844.5 (MANE Select); 166 bases into the intron before coding-DNA position 2626, T replaced by C.
Molecular consequence: intron variant.
Genome position (GRCh38, 1-based): chr12:47,980,228, A>G on the plus strand (T>C on the coding strand, the complement: COL2A1 is on the minus strand). VCF-style: chr12-47980228-A-G. GRCh37 (hg19) VCF-style: chr12-48374011-A-G.
Other names: c.2419-166T>C (NM_033150.3).
Identifiers: ClinVar variation 677908 (VCV000677908.2), dbSNP rs57444859, ClinGen allele CA236522940.

ClinVar aggregate classification (germline): Benign. Review status: criteria provided, multiple submitters, no conflicts (2 of 4 stars). 2 submissions from 2 submitters: Benign (2). Last evaluated 2018-06-14.

Allele frequency attached by ClinVar (database versions not stated): 1000 Genomes Project 0.04892; 1000 Genomes Project 30x 0.05231; TOPMed 0.06655; gnomAD 0.07125 and 0.07428.
gnomAD v4.1: 10,761 of 152,256 alleles (7.1%); highest among the groups gnomAD compares: African/African-American, 10%; 471 homozygotes.

Submissions (2):

GeneDx
Classification: Benign. Last evaluated: 2018-06-14. Review status: criteria provided, single submitter. Criteria: GeneDx Variant Classification (06012015). Collection method: clinical testing. Allele origin: germline. Affected: yes.
Comment: This variant is considered likely benign or benign based on one or more of the following criteria: it is a conservative change, it occurs at a poorly conserved position in the protein, it is predicted to be benign by multiple in silico algorithms, and/or has population frequency not consistent with disease.

Breakthrough Genomics
Classification: Benign. Review status: criteria provided, single submitter. Criteria: ACMG Guidelines, 2015. Collection method: not provided. Allele origin: germline. Inheritance: Autosomal dominant inheritance. Affected: yes.